The following is an entry in ClinVar:

ClinVar aggregate classification (germline): Pathogenic (1 of 4 stars; one submission).

Conditions:
Tuberous sclerosis 2 (TSC2). Identifiers: Orphanet 805, MedGen C1860707, MONDO:0013199, OMIM 613254.

Submission:

Institute of Human Genetics, University of Leipzig Medical Center
Classification: Pathogenic for Tuberous sclerosis 2. Last evaluated: 2026-05-04. Review status: criteria provided, single submitter. Criteria: ACMG Guidelines, 2015. Collection method: clinical testing. Allele origin: unknown. Inheritance: Autosomal dominant inheritance. Affected: yes.
Comment: Criteria applied: PVS1,PM2

NM_000548.5(TSC2):c.4008del (p.Ser1337fs)

Gene: TSC2 (TSC complex subunit 2; plus strand). Cytogenetic location: 16p13.3.
Variant type: Deletion.
Coding change: c.4008del on transcript NM_000548.5 (MANE Select); coding-DNA position 4008, one base deleted (G; older notation c.4008delG).
Protein change: p.Ser1337fs; shifts the reading frame from serine 1337.
Molecular consequence: frameshift variant. On other transcripts: non-coding transcript variant (5).
Genome position (GRCh38, 1-based): chr16:2,084,230, G deleted. VCF-style (leftmost placement, unchanged base first): chr16-2084229-CG-C. GRCh37 (hg19) VCF-style: chr16-2134230-CG-C.
Other names: c.2205del, p.Ser736fs (NM_001406698.1); c.3879del, p.Ser1294fs (NM_021055.3, NM_001370405.1); c.2466del, p.Ser823fs (NM_001406693.1, NM_001406694.1, NM_001406692.1); c.2463del, p.Ser822fs (NM_001406695.1, NM_001406696.1, NM_001406697.1); c.3807del, p.Ser1270fs (NM_001077183.3); c.3939del, p.Ser1314fs (NM_001114382.3); c.3699del, p.Ser1234fs (NM_001318827.2); c.3663del, p.Ser1222fs (NM_001318829.2); and 26 more; short protein forms S1070fs, S1071fs, S1093fs, S1113fs, S1114fs, S1117fs, S1137fs, S1221fs.
Identifiers: ClinVar variation 4857444 (VCV004857444.1).